The following is an entry in ClinVar:

NM_003072.5(SMARCA4):c.4524G>T (p.Lys1508Asn)

Gene: SMARCA4 (SWI/SNF related BAF chromatin remodeling complex subunit ATPase 4; plus strand). Cytogenetic location: 19p13.2.
Variant type: single nucleotide variant.
Coding change: c.4524G>T on transcript NM_003072.5 (MANE Select); coding-DNA position 4524, G replaced by T.
Protein change: p.Lys1508Asn; replaces lysine 1508 with asparagine.
Molecular consequence: missense variant. On other transcripts: non-coding transcript variant (1).
Genome position (GRCh38, 1-based): chr19:11,058,354, G>T. VCF-style: chr19-11058354-G-T. GRCh37 (hg19) VCF-style: chr19-11169030-G-T.
Other names: c.4524G>T, p.Lys1508Asn (NM_001128844.3); c.4434G>T, p.Lys1478Asn (NM_001128845.2); c.4431G>T, p.Lys1477Asn (NM_001128846.2); c.4425G>T, p.Lys1475Asn (NM_001128847.4, NM_001374457.1); c.4422G>T, p.Lys1474Asn (NM_001128848.2); c.4620G>T, p.Lys1540Asn (NM_001128849.3, NM_001387283.1); c.4521G>T, p.Lys1507Asn (NM_001411150.1); c.4620G>T (NM_001128849.1); short protein forms K1477N, K1507N, K1475N, K1478N, K1540N, K1474N, K1508N.
Identifiers: ClinVar variation 2008524 (VCV002008524.5), dbSNP rs1176688272, ClinGen allele CA404077980.
Genomic context (GRCh38, chr19:11,058,354, plus strand): 5'-GCCCTCGCGAAAGGAGCTGCCCGAGTACTACGAGCTCATCCGCAAGCCCGTGGACTTCAA[G>T]AAGATAAAGGTAACCCTGACGTTGTACCTGCGCCCCGCATGTGCCCGGAGGGGAGTCTGA-3'
Protein context (NP_003063.2, residues 1498-1518): YELIRKPVDF[Lys1508Asn]KIKERIRNHK

ClinVar aggregate classification (germline): Uncertain significance. Review status: criteria provided, multiple submitters, no conflicts (2 of 4 stars). 2 submissions from 2 submitters: Uncertain significance (2). Last evaluated 2025-02-14.

Conditions:
Hereditary cancer-predisposing syndrome. Also called: Tumor predisposition; Neoplastic Syndromes, Hereditary; Hereditary Cancer Syndrome; Hereditary neoplastic syndrome. Identifiers: Orphanet 140162, MedGen C0027672, MeSH D009386, MONDO:0015356.
Rhabdoid tumor predisposition syndrome 2 (RTPS2). Identifiers: Orphanet 231108, Orphanet 69077, MedGen C2750074, MONDO:0013224, OMIM 613325.

Submissions (2):

Ambry Genetics
Classification: Uncertain significance for Hereditary cancer-predisposing syndrome. Last evaluated: 2025-02-14. Review status: criteria provided, single submitter. Criteria: Ambry Variant Classification Scheme 2023. Collection method: clinical testing. Allele origin: germline.
Comment: The p.K1540N variant (also known as c.4620G>T), located in coding exon 31 of the SMARCA4 gene, results from a G to T substitution at nucleotide position 4620. The lysine at codon 1540 is replaced by asparagine, an amino acid with similar properties. This amino acid position is conserved. In addition, this alteration is predicted to be tolerated by in silico analysis. Based on the available evidence, the clinical significance of this variant remains unclear.

Labcorp Genetics (formerly Invitae), Labcorp
Classification: Uncertain significance for Rhabdoid tumor predisposition syndrome 2. Last evaluated: 2022-06-19. Review status: criteria provided, single submitter. Criteria: Invitae Variant Classification Sherloc (09022015). Collection method: clinical testing. Allele origin: germline.
Comment: This sequence change replaces lysine, which is basic and polar, with asparagine, which is neutral and polar, at codon 1540 of the SMARCA4 protein (p.Lys1540Asn). This variant is not present in population databases (gnomAD no frequency). This variant has not been reported in the literature in individuals affected with SMARCA4-related conditions. Algorithms developed to predict the effect of missense changes on protein structure and function are either unavailable or do not agree on the potential impact of this missense change (SIFT: "Deleterious"; PolyPhen-2: "Benign"; Align-GVGD: "Class C35"). In summary, the available evidence is currently insufficient to determine the role of this variant in disease. Therefore, it has been classified as a Variant of Uncertain Significance.